The following is an entry in ClinVar:

ClinVar aggregate classification (germline): Conflicting classifications of pathogenicity. Review status: criteria provided, conflicting classifications (1 of 4 stars). 2 submissions from 2 submitters: Uncertain significance (1); Likely benign (1). Last evaluated 2024-05-07.

Allele frequency attached by ClinVar (database versions not stated): TOPMed 0.00002; gnomAD 0.00003 and 0.00004; gnomAD exomes 0.00006; ExAC 0.00007; 1000 Genomes Project 30x 0.00016; 1000 Genomes Project 0.00020.
gnomAD v4.1: 39 of 1,613,478 alleles (0.0024%); highest among the groups gnomAD compares: South Asian, 0.031%; no homozygotes.

Submissions (2):

Blueprint Genetics
Classification: Likely benign. Last evaluated: 2024-05-07. Review status: criteria provided, single submitter. Criteria: ACMG Guidelines, 2015. Collection method: clinical testing. Allele origin: germline.

Labcorp Genetics (formerly Invitae), Labcorp
Classification: Uncertain significance. Last evaluated: 2022-06-20. Review status: criteria provided, single submitter. Criteria: Invitae Variant Classification Sherloc (09022015). Collection method: clinical testing. Allele origin: germline.
Comment: This sequence change falls in intron 3 of the ARL2BP gene. It does not directly change the encoded amino acid sequence of the ARL2BP protein. It affects a nucleotide within the consensus splice site. This variant is present in population databases (rs557165327, gnomAD 0.03%). This variant has not been reported in the literature in individuals affected with ARL2BP-related conditions. Variants that disrupt the consensus splice site are a relatively common cause of aberrant splicing (PMID: 17576681, 9536098). Algorithms developed to predict the effect of sequence changes on RNA splicing suggest that this variant is not likely to affect RNA splicing. In summary, the available evidence is currently insufficient to determine the role of this variant in disease. Therefore, it has been classified as a Variant of Uncertain Significance.

Literature cited by the submitters: PubMed 17576681 (cited by Labcorp Genetics (formerly Invitae), Labcorp); PubMed 9536098 (cited by Labcorp Genetics (formerly Invitae), Labcorp).

NM_012106.4(ARL2BP):c.208-3C>T

Gene: ARL2BP (ARF like GTPase 2 binding protein; plus strand). Cytogenetic location: 16q13.
Variant type: single nucleotide variant.
Coding change: c.208-3C>T on transcript NM_012106.4 (MANE Select); 3 bases into the intron before coding-DNA position 208, C replaced by T.
Molecular consequence: intron variant.
Genome position (GRCh38, 1-based): chr16:57,249,764, C>T. VCF-style: chr16-57249764-C-T. GRCh37 (hg19) VCF-style: chr16-57283676-C-T.
Identifiers: ClinVar variation 1519064 (VCV001519064.4), dbSNP rs557165327, ClinGen allele CA8074896.